The following is an entry in ClinVar:

ClinVar aggregate classification (germline): Uncertain significance (1 of 4 stars; one submission).

Conditions:
Inborn genetic diseases. Identifiers: MedGen C0950123, MeSH D030342.

Allele frequency attached by ClinVar (database versions not stated): TOPMed below 0.00001.

Submission:

Ambry Genetics
Classification: Uncertain significance for Inborn genetic diseases. Last evaluated: 2024-06-14. Review status: criteria provided, single submitter. Criteria: Ambry Variant Classification Scheme 2023. Collection method: clinical testing. Allele origin: germline.
Comment: The p.H1558R variant (also known as c.4673A>G), located in coding exon 27 of the ATR gene, results from an A to G substitution at nucleotide position 4673. The histidine at codon 1558 is replaced by arginine, an amino acid with highly similar properties. This amino acid position is conserved. In addition, this alteration is predicted to be tolerated by in silico analysis. Since supporting evidence is limited at this time, the clinical significance of this alteration remains unclear.

NM_001184.4(ATR):c.4673A>G (p.His1558Arg)

Gene: ATR (ATR checkpoint kinase; minus strand). Cytogenetic location: 3q23.
Variant type: single nucleotide variant.
Coding change: c.4673A>G on transcript NM_001184.4 (MANE Select); coding-DNA position 4673, A replaced by G.
Protein change: p.His1558Arg; replaces histidine 1558 with arginine.
Molecular consequence: missense variant.
Genome position (GRCh38, 1-based): chr3:142,512,439, T>C on the plus strand (A>G on the coding strand, the complement: ATR is on the minus strand). VCF-style: chr3-142512439-T-C. GRCh37 (hg19) VCF-style: chr3-142231281-T-C.
Other names: c.4481A>G, p.His1494Arg (NM_001354579.2); short protein forms H1494R, H1558R.
Identifiers: ClinVar variation 1742340 (VCV001742340.3), dbSNP rs2032626568, ClinGen allele CA354795795.
Genomic context (GRCh38, chr3:142,512,439, plus strand): 5'-GTACTGAGTTGACACAGATCAGATGCAATGTCTTGGGTATTTATGGTATGCTGATCGTCA[T>C]GCTTTAGAACTGCCATAATTTCTGCATAAACCTATGAGAATCATTTATAATTAATAATAA-3'
Protein context (NP_001175.2, residues 1548-1568): VYAEIMAVLK[His1558Arg]DDQHTINTQD